The following is an entry in ClinVar:

ClinVar aggregate classification (germline): Benign/Likely benign. Review status: criteria provided, multiple submitters, no conflicts (2 of 4 stars). 2 submissions from 2 submitters: Benign (1); Likely benign (1). Last evaluated 2025-05-15.

Conditions:
Tuberous sclerosis 2 (TSC2). Identifiers: Orphanet 805, MedGen C1860707, MONDO:0013199, OMIM 613254.

gnomAD v4.1: 3 of 1,613,914 alleles (0.00019%); highest among the groups gnomAD compares: South Asian, 0.0011%; no homozygotes.

Submissions (2):

Myriad Genetics, Inc.
Classification: Benign for Tuberous sclerosis 2. Last evaluated: 2025-05-15. Review status: criteria provided, single submitter. Criteria: Myriad Autosomal Dominant, Autosomal Recessive and X-Linked Classification Criteria (2023). Collection method: clinical testing. Allele origin: unknown.
Comment: This variant is considered benign. This variant is a silent/synonymous amino acid change and it is not expected to impact splicing.

Labcorp Genetics (formerly Invitae), Labcorp
Classification: Likely benign for Tuberous sclerosis 2. Last evaluated: 2023-01-30. Review status: criteria provided, single submitter. Criteria: Invitae Variant Classification Sherloc (09022015). Collection method: clinical testing. Allele origin: germline.

NM_000548.5(TSC2):c.1665C>T (p.Ala555=)

Gene: TSC2 (TSC complex subunit 2; plus strand). Cytogenetic location: 16p13.3.
Variant type: single nucleotide variant.
Coding change: c.1665C>T on transcript NM_000548.5 (MANE Select); coding-DNA position 1665, C replaced by T.
Protein change: p.Ala555=; no amino-acid change (alanine 555 retained).
Molecular consequence: synonymous variant.
Genome position (GRCh38, 1-based): chr16:2,065,584, C>T. VCF-style: chr16-2065584-C-T. GRCh37 (hg19) VCF-style: chr16-2115585-C-T.
Other names: c.1665C>T, p.Ala555= (NM_001077183.3, NM_001114382.3, NM_001363528.2 and 3 more transcripts); c.1554C>T, p.Ala518= (NM_001318827.2); c.1518C>T, p.Ala506= (NM_001318829.2); c.1065C>T, p.Ala355= (NM_001318831.2); c.1698C>T, p.Ala566= (NM_001318832.2).
Identifiers: ClinVar variation 1565030 (VCV001565030.9), dbSNP rs2151208963, ClinGen allele CA492947860.